The following is an entry in ClinVar:

ClinVar aggregate classification (germline): Uncertain significance (1 of 4 stars; one submission).

Submission:

Labcorp Genetics (formerly Invitae), Labcorp
Classification: Uncertain significance. Last evaluated: 2024-05-15. Review status: criteria provided, single submitter. Criteria: Invitae Variant Classification Sherloc (09022015). Collection method: clinical testing. Allele origin: germline.
Comment: This sequence change replaces lysine, which is basic and polar, with threonine, which is neutral and polar, at codon 65 of the TSFM protein (p.Lys65Thr). This variant is not present in population databases (gnomAD no frequency). This variant has not been reported in the literature in individuals affected with TSFM-related conditions. ClinVar contains an entry for this variant (Variation ID: 1399422). Advanced modeling of protein sequence and biophysical properties (such as structural, functional, and spatial information, amino acid conservation, physicochemical variation, residue mobility, and thermodynamic stability) performed at Invitae indicates that this missense variant is expected to disrupt TSFM protein function with a positive predictive value of 80%. In summary, the available evidence is currently insufficient to determine the role of this variant in disease. Therefore, it has been classified as a Variant of Uncertain Significance.

NM_005726.6(TSFM):c.194A>C (p.Lys65Thr)

Gene: TSFM (Ts translation elongation factor, mitochondrial; plus strand). Cytogenetic location: 12q14.1.
Variant type: single nucleotide variant.
Coding change: c.194A>C on transcript NM_005726.6 (MANE Select); coding-DNA position 194, A replaced by C.
Protein change: p.Lys65Thr; replaces lysine 65 with threonine.
Molecular consequence: missense variant.
Genome position (GRCh38, 1-based): chr12:57,783,246, A>C. VCF-style: chr12-57783246-A-C. GRCh37 (hg19) VCF-style: chr12-58177029-A-C.
Other names: c.194A>C, p.Lys65Thr (NM_001172695.2, NM_001172696.2, NM_001172697.2); short protein forms K65T.
Identifiers: ClinVar variation 1399422 (VCV001399422.8), dbSNP rs756167082, ClinGen allele CA385523849.